The following is an entry in ClinVar:

NM_007175.8(ERLIN2):c.577C>T (p.Leu193Phe)

Gene: ERLIN2 (ER lipid raft associated 2; plus strand). Cytogenetic location: 8p11.23.
Variant type: single nucleotide variant.
Coding change: c.577C>T on transcript NM_007175.8 (MANE Select); coding-DNA position 577, C replaced by T.
Protein change: p.Leu193Phe; replaces leucine 193 with phenylalanine.
Molecular consequence: missense variant.
Genome position (GRCh38, 1-based): chr8:37,750,414, C>T. VCF-style: chr8-37750414-C-T. GRCh37 (hg19) VCF-style: chr8-37607932-C-T.
Other names: c.577C>T, p.Leu193Phe (NM_001362878.2); short protein forms L193F.
Identifiers: ClinVar variation 2767750 (VCV002767750.3), dbSNP rs776310092, ClinGen allele CA4710949.

ClinVar aggregate classification (germline): Uncertain significance (1 of 4 stars; one submission).

Conditions:
Spastic paraplegia. Identifiers: MedGen C0037772, HP:0001258.

Allele frequency attached by ClinVar (database versions not stated): ExAC 0.00001; gnomAD 0.00001; gnomAD exomes 0.00001; TOPMed 0.00001.

Submission:

Labcorp Genetics (formerly Invitae), Labcorp
Classification: Uncertain significance for Spastic paraplegia. Last evaluated: 2022-12-24. Review status: criteria provided, single submitter. Criteria: Invitae Variant Classification Sherloc (09022015). Collection method: clinical testing. Allele origin: germline.
Comment: In summary, the available evidence is currently insufficient to determine the role of this variant in disease. Therefore, it has been classified as a Variant of Uncertain Significance. Advanced modeling of protein sequence and biophysical properties (such as structural, functional, and spatial information, amino acid conservation, physicochemical variation, residue mobility, and thermodynamic stability) performed at Invitae indicates that this missense variant is not expected to disrupt ERLIN2 protein function. This variant has not been reported in the literature in individuals affected with ERLIN2-related conditions. This variant is present in population databases (rs776310092, gnomAD 0.003%). This sequence change replaces leucine, which is neutral and non-polar, with phenylalanine, which is neutral and non-polar, at codon 193 of the ERLIN2 protein (p.Leu193Phe).